The following is an entry in ClinVar:

ClinVar aggregate classification (germline): Uncertain significance (1 of 4 stars; one submission).

Submission:

GeneDx
Classification: Uncertain significance. Last evaluated: 2025-07-10. Review status: criteria provided, single submitter. Criteria: GeneDx Variant Classification Process June 2021. Collection method: clinical testing. Allele origin: germline. Affected: yes.
Comment: Not observed at significant frequency in large population cohorts (gnomAD); In silico analysis supports that this missense variant has a deleterious effect on protein structure/function; Has not been previously published as pathogenic or benign to our knowledge

NM_001008537.3(NEXMIF):c.3329A>G (p.Glu1110Gly)

Gene: NEXMIF (neurite extension and migration factor; minus strand). Cytogenetic location: Xq13.3.
Variant type: single nucleotide variant.
Coding change: c.3329A>G on transcript NM_001008537.3 (MANE Select); coding-DNA position 3329, A replaced by G.
Protein change: p.Glu1110Gly; replaces glutamic acid 1110 with glycine.
Molecular consequence: missense variant.
Genome position (GRCh38, 1-based): chrX:74,741,228, T>C on the plus strand (A>G on the coding strand, the complement: NEXMIF is on the minus strand). VCF-style: chrX-74741228-T-C. GRCh37 (hg19) VCF-style: chrX-73961063-T-C.
Other names: short protein forms E1110G.
Identifiers: ClinVar variation 4685330 (VCV004685330.1).
Genomic context (GRCh38, chrX:74,741,228, plus strand): 5'-GTAAATCCATCCTCCATTTGGACCTGCCGTGAAAGGGTACTGCAGTCCCACTTGATTTTT[T>C]CCACACTGTCCAATGGTCCTGGGACACCCTCTTGGAACCCCTTTAGTGTTCCTAGTGTCT-3'
Protein context (NP_001008537.1, residues 1100-1120): EGVPGPLDSV[Glu1110Gly]KIKWDCSTLS